The following is an entry in ClinVar:

ClinVar aggregate classification (germline): Uncertain significance (1 of 4 stars; one submission).

Submission:

Labcorp Genetics (formerly Invitae), Labcorp
Classification: Uncertain significance. Last evaluated: 2022-04-18. Review status: criteria provided, single submitter. Criteria: Invitae Variant Classification Sherloc (09022015). Collection method: clinical testing. Allele origin: germline.
Comment: In summary, the available evidence is currently insufficient to determine the role of this variant in disease. Therefore, it has been classified as a Variant of Uncertain Significance. Algorithms developed to predict the effect of missense changes on protein structure and function output the following: SIFT: "Deleterious"; PolyPhen-2: "Benign"; Align-GVGD: "Class C0". The serine amino acid residue is found in multiple mammalian species, which suggests that this missense change does not adversely affect protein function. This variant has not been reported in the literature in individuals affected with DLC1-related conditions. This variant is not present in population databases (gnomAD no frequency). This sequence change replaces asparagine, which is neutral and polar, with serine, which is neutral and polar, at codon 215 of the DLC1 protein (p.Asn215Ser).

NM_182643.3(DLC1):c.644A>G (p.Asn215Ser)

Gene: DLC1 (DLC1 Rho GTPase activating protein; minus strand). Cytogenetic location: 8p22.
Variant type: single nucleotide variant.
Coding change: c.644A>G on transcript NM_182643.3 (MANE Select); coding-DNA position 644, A replaced by G.
Protein change: p.Asn215Ser; replaces asparagine 215 with serine.
Molecular consequence: missense variant. On other transcripts: 5 prime UTR variant (1).
Genome position (GRCh38, 1-based): chr8:13,499,428, T>C on the plus strand (A>G on the coding strand, the complement: DLC1 is on the minus strand). VCF-style: chr8-13499428-T-C. GRCh37 (hg19) VCF-style: chr8-13356937-T-C.
Other names: c.644A>G, p.Asn215Ser (NM_001348081.2, NM_001413124.1, NM_001413125.1 and 1 more transcripts); c.-808A>G (NM_001348082.2); short protein forms N215S.
Identifiers: ClinVar variation 2127628 (VCV002127628.4), dbSNP rs1801677457, ClinGen allele CA370381445.